The following is an entry in ClinVar:

ClinVar aggregate classification (germline): Benign (1 of 4 stars; one submission).

Allele frequency attached by ClinVar (database versions not stated): gnomAD 0.16828 and 0.17385; TOPMed 0.17234; 1000 Genomes Project 0.17412; 1000 Genomes Project 30x 0.17911.
gnomAD v4.1: 25,526 of 152,068 alleles (17%); highest among the groups gnomAD compares: African/African-American, 29%; 2,581 homozygotes.

Submission:

GeneDx
Classification: Benign. Last evaluated: 2018-06-19. Review status: criteria provided, single submitter. Criteria: GeneDx Variant Classification (06012015). Collection method: clinical testing. Allele origin: germline. Affected: yes.
Comment: This variant is considered likely benign or benign based on one or more of the following criteria: it is a conservative change, it occurs at a poorly conserved position in the protein, it is predicted to be benign by multiple in silico algorithms, and/or has population frequency not consistent with disease.

NM_001035.3(RYR2):c.6023-175G>A

Gene: RYR2 (ryanodine receptor 2; plus strand). Cytogenetic location: 1q43.
Variant type: single nucleotide variant.
Coding change: c.6023-175G>A on transcript NM_001035.3 (MANE Select); 175 bases into the intron before coding-DNA position 6023, G replaced by A.
Molecular consequence: intron variant.
Genome position (GRCh38, 1-based): chr1:237,625,486, G>A. VCF-style: chr1-237625486-G-A. GRCh37 (hg19) VCF-style: chr1-237788786-G-A.
Identifiers: ClinVar variation 672076 (VCV000672076.1), dbSNP rs6683048, ClinGen allele CA39837878.
Genomic context (GRCh38, chr1:237,625,486, plus strand): 5'-TGTTCTGGGTGACAGCCCTGAGCCCACAGGAATAGAACAAAAAGAGAGAGGAAGAAAAGA[G>A]GCTGACCAGTGAATGTTATTTATGAGGGCTGGTAAGCAACATTGCTTAACTTAATGTTAG-3'